The following is an entry in ClinVar:

ClinVar aggregate classification (germline): Benign. Review status: criteria provided, single submitter (1 of 4 stars). 2 submissions from 1 submitter: Benign (2). Last evaluated 2018-01-13.

Conditions:
Susceptibility to mononeuropathy of the median nerve, mild. Also called: CARPAL TUNNEL SYNDROME, SUSCEPTIBILITY TO. Identifiers: MedGen C3150596, MONDO:0013237, OMIM 613353.
Charcot-Marie-Tooth disease type 4C (CMT4C). Also called: CHARCOT-MARIE-TOOTH DISEASE, DEMYELINATING, AUTOSOMAL RECESSIVE, TYPE 4C; CMT 4C; Charcot-Marie-Tooth Neuropathy Type 4C (CMT4C); CHARCOT-MARIE-TOOTH DISEASE, DEMYELINATING, TYPE 4C; SH3TC2-Related Hereditary Motor and Sensory Neuropathy. Identifiers: Orphanet 99949, MedGen C1866636, MONDO:0011113, OMIM 601596.

Allele frequency attached by ClinVar (database versions not stated): 1000 Genomes Project 0.19788; 1000 Genomes Project 30x 0.19894; TOPMed 0.22220; gnomAD 0.22500 and 0.22872.
gnomAD v4.1: 34,188 of 151,826 alleles (23%); highest among the groups gnomAD compares: African/African-American, 31%; 4,288 homozygotes.

Submissions (2):

Illumina Laboratory Services, Illumina
Classification: Benign for Charcot-Marie-Tooth disease type 4C. Last evaluated: 2018-01-13. Review status: criteria provided, single submitter. Criteria: ICSL Variant Classification Criteria 13 December 2019. Collection method: clinical testing. Allele origin: germline.
Comment: This variant was observed in the ICSL laboratory as part of a predisposition screen in an ostensibly healthy population. It had not been previously curated by ICSL or reported in the Human Gene Mutation Database (HGMD: prior to June 1st, 2018), and was therefore a candidate for classification through an automated scoring system. Utilizing variant allele frequency, disease prevalence and penetrance estimates, and inheritance mode, an automated score was calculated to assess if this variant is too frequent to cause the disease. Based on the score and internal cut-off values, a variant classified as benign is not then subjected to further curation. The score for this variant resulted in a classification of benign for this disease.

Illumina Laboratory Services, Illumina
Classification: Benign for Susceptibility to mononeuropathy of the median nerve, mild. Last evaluated: 2018-01-13. Review status: criteria provided, single submitter. Criteria: ICSL Variant Classification Criteria 13 December 2019. Collection method: clinical testing. Allele origin: germline.
Comment: the same text as in the submission from Illumina Laboratory Services, Illumina above.

NM_024577.4(SH3TC2):c.*14562G>A

Gene: SH3TC2 (SH3 domain and tetratricopeptide repeats 2; minus strand). Cytogenetic location: 5q32.
Variant type: single nucleotide variant.
Coding change: c.*14562G>A on transcript NM_024577.4 (MANE Select); 14562 bases downstream of the stop codon, G replaced by A.
Molecular consequence: 3 prime UTR variant.
Genome position (GRCh38, 1-based): chr5:148,990,149, C>T on the plus strand (G>A on the coding strand, the complement: SH3TC2 is on the minus strand). VCF-style: chr5-148990149-C-T. GRCh37 (hg19) VCF-style: chr5-148369712-C-T.
Identifiers: ClinVar variation 351664 (VCV000351664.5), dbSNP rs17109198, ClinGen allele CA10623186.